The following is an entry in ClinVar:

ClinVar aggregate classification (germline): Uncertain significance. Review status: criteria provided, single submitter (1 of 4 stars). 2 submissions from 2 submitters: Uncertain significance (1). 1 of the submissions does not count toward it. Last evaluated 2024-02-24.

Conditions:
Congenital primary aphakia. Also called: Anterior segment dysgenesis 2, multiple subtypes; ANTERIOR SEGMENT DYSGENESIS 2. Identifiers: Orphanet 83461, MedGen C1853230, MONDO:0012456, OMIM 610256.
Anterior segment dysgenesis. Also called: Ocular anterior segment dysgenesis. Identifiers: Orphanet 88632, MedGen C1862839, MONDO:0019503, HP:0007700.

Submissions (2):

Labcorp Genetics (formerly Invitae), Labcorp
Classification: Uncertain significance for Anterior segment dysgenesis; Congenital primary aphakia. Last evaluated: 2024-02-24. Review status: criteria provided, single submitter. Criteria: Invitae Variant Classification Sherloc (09022015). Collection method: clinical testing. Allele origin: germline.
Comment: This sequence change creates a premature translational stop signal (p.Glu284Alafs*3) in the FOXE3 gene. While this is not anticipated to result in nonsense mediated decay, it is expected to disrupt the last 36 amino acid(s) of the FOXE3 protein. This variant is present in population databases (no rsID available, gnomAD 0.01%). This premature translational stop signal has been observed in individual(s) with autosomal recessive FOXE3-related conditions (PMID: 34046667). ClinVar contains an entry for this variant (Variation ID: 639324). Experimental studies and prediction algorithms are not available or were not evaluated, and the functional significance of this variant is currently unknown. In summary, the available evidence is currently insufficient to determine the role of this variant in disease. Therefore, it has been classified as a Variant of Uncertain Significance.

Genomics, Genetics and Epigenetics Laboratory, Medical College of Wisconsin
Classification: Pathogenic for Congenital primary aphakia. Last evaluated: 2021-05-01. Review status: no assertion criteria provided. Collection method: research. Allele origin: germline. Affected: yes. Not counted in ClinVar's aggregate classification.

Literature cited by the submitters: PubMed 34046667 (cited by Labcorp Genetics (formerly Invitae), Labcorp and Genomics, Genetics and Epigenetics Laboratory, Medical College of Wisconsin).

NM_012186.3(FOXE3):c.844_850dup (p.Glu284delinsAlaArgTer)

Genes: FOXE3 (forkhead box E3; plus strand), LINC01389 (long independently transcribed non-coding RNA 1389; minus strand). Cytogenetic location: 1p33.
Variant type: Microsatellite.
Coding change: c.844_850dup on transcript NM_012186.3 (MANE Select); coding-DNA positions 844 to 850, 7 bases duplicated (CCCGCTG; older notation c.844_850dupCCCGCTG).
Protein change: p.Glu284delinsAlaArgTer.
Molecular consequence: nonsense.
Genome position (GRCh38, 1-based): chr1:47,417,159-47,417,165, CCCGCTG duplicated; duplicating any 7 consecutive bases within chr1:47,417,151-47,417,165 gives the same sequence; the c. name uses the placement nearest the transcript's 3' end. VCF-style (leftmost placement, unchanged base first): chr1-47417150-G-GGCCCGCT. GRCh37 (hg19) VCF-style: chr1-47882822-G-GGCCCGCT.
Other names: c.844_850dup (NM_012186.2).
Identifiers: ClinVar variation 639324 (VCV000639324.11), dbSNP rs1476879051, ClinGen allele CA522813474.